The following is an entry in ClinVar:

NM_001130987.2(DYSF):c.2622G>A (p.Leu874=)

Gene: DYSF (dysferlin; plus strand). Cytogenetic location: 2p13.2.
Variant type: single nucleotide variant.
Coding change: c.2622G>A on transcript NM_001130987.2 (MANE Select); coding-DNA position 2622, G replaced by A.
Protein change: p.Leu874=; no amino-acid change (leucine 874 retained).
Molecular consequence: synonymous variant.
Genome position (GRCh38, 1-based): chr2:71,568,007, G>A. VCF-style: chr2-71568007-G-A. GRCh37 (hg19) VCF-style: chr2-71795137-G-A.
Other names: c.2571G>A, p.Leu857= (NM_001130455.2, NM_001130983.2); c.2526G>A, p.Leu842= (NM_001130976.2, NM_001130977.2); c.2568G>A, p.Leu856= (NM_001130978.2, NM_003494.4); c.2661G>A, p.Leu887= (NM_001130979.2); c.2619G>A, p.Leu873= (NM_001130980.2, NM_001130981.2); c.2664G>A, p.Leu888= (NM_001130982.2); c.2529G>A, p.Leu843= (NM_001130984.2, NM_001130986.2); c.2622G>A, p.Leu874= (NM_001130985.2).
Identifiers: ClinVar variation 259071 (VCV000259071.28), dbSNP rs191337920, ClinGen allele CA1706238.

ClinVar aggregate classification (germline): Conflicting classifications of pathogenicity. Review status: criteria provided, conflicting classifications (1 of 4 stars). 8 submissions from 8 submitters: Uncertain significance (1); Likely benign (6). 1 of the submissions does not count toward it. Last evaluated 2026-01-21.

Conditions:
Neuromuscular disease caused by qualitative or quantitative defects of dysferlin. Also called: Dysferlinopathy; Qualitative or quantitative defects of dysferlin. Identifiers: Orphanet 207073, MedGen C2931687, MONDO:0016145.
Autosomal recessive limb-girdle muscular dystrophy type 2B (LGMDR2). Also called: MUSCULAR DYSTROPHY, LIMB-GIRDLE, TYPE 3; MUSCULAR DYSTROPHY, LIMB-GIRDLE, AUTOSOMAL RECESSIVE 2; Limb-girdle muscular dystrophy, type 2B; Limb-Girdle Muscular Dystrophy Type 2B (LGMD2B). Identifiers: Orphanet 268, MedGen C1850889, MONDO:0009676, OMIM 253601.

Allele frequency attached by ClinVar (database versions not stated): gnomAD 0.00014 and 0.00015; 1000 Genomes Project 30x 0.00016; TOPMed 0.00016; ExAC 0.00017; gnomAD exomes 0.00017 and 0.00032; 1000 Genomes Project 0.00020; ESP Exome Variant Server 0.00023.
gnomAD v4.1: 491 of 1,614,172 alleles (0.03%); highest among the groups gnomAD compares: Non-Finnish European, 0.039%; 1 homozygote.

Submissions (8):

Labcorp Genetics (formerly Invitae), Labcorp
Classification: Likely benign for Neuromuscular disease caused by qualitative or quantitative defects of dysferlin. Last evaluated: 2026-01-21. Review status: criteria provided, single submitter. Criteria: Invitae Variant Classification Sherloc (09022015). Collection method: clinical testing. Allele origin: germline.

Athena Diagnostics
Classification: Likely benign. Last evaluated: 2025-08-21. Review status: criteria provided, single submitter. Criteria: Athena Diagnostics Criteria. Collection method: clinical testing. Allele origin: unknown.
Comment: Computational tools yielded predictions that this variant is unlikely to have an effect on normal RNA splicing. This nucleotide position exhibits low evolutionary conservation.

Blueprint Genetics
Classification: Likely benign. Last evaluated: 2024-05-30. Review status: criteria provided, single submitter. Criteria: ACMG Guidelines, 2015. Collection method: clinical testing. Allele origin: germline.

GeneDx
Classification: Likely benign. Last evaluated: 2018-03-15. Review status: criteria provided, single submitter. Criteria: GeneDx Variant Classification (06012015). Collection method: clinical testing. Allele origin: germline. Affected: yes.
Comment: This variant is considered likely benign or benign based on one or more of the following criteria: it is a conservative change, it occurs at a poorly conserved position in the protein, it is predicted to be benign by multiple in silico algorithms, and/or has population frequency not consistent with disease.

Eurofins Ntd Llc (ga)
Classification: Uncertain significance. Last evaluated: 2016-05-11. Review status: criteria provided, single submitter. Criteria: EGL Classification Definitions 2015. Collection method: clinical testing. Allele origin: germline. Observed: 3 variant alleles, 3 heterozygotes.

Genetic Services Laboratory, University of Chicago
Classification: Likely benign. Last evaluated: 2016-01-22. Review status: criteria provided, single submitter. Criteria: ACMG Guidelines, 2015. Collection method: clinical testing. Allele origin: germline. Affected: no.

PreventionGenetics, part of Exact Sciences
Classification: Likely benign. Review status: criteria provided, single submitter. Criteria: ACMG Guidelines, 2015. Collection method: clinical testing. Allele origin: germline.

Natera, Inc.
Classification: Likely benign for Limb-girdle muscular dystrophy type 2B. Last evaluated: 2020-04-23. Review status: no assertion criteria provided. Collection method: clinical testing. Allele origin: germline. Not counted in ClinVar's aggregate classification.